The following is an entry in ClinVar:

ClinVar aggregate classification (germline): Uncertain significance. Review status: criteria provided, multiple submitters, no conflicts (2 of 4 stars). 2 submissions from 2 submitters: Uncertain significance (2). Last evaluated 2024-03-19.

Conditions:
Joubert syndrome 23 (JBTS23). Identifiers: Orphanet 475, MedGen C4084822, MONDO:0014664, OMIM 616490.
Short-rib thoracic dysplasia 14 with polydactyly (SRTD14). Identifiers: Orphanet 397715, MedGen C4225286, MONDO:0014688, OMIM 616546.
Inborn genetic diseases. Identifiers: MedGen C0950123, MeSH D030342.

Allele frequency attached by ClinVar (database versions not stated): gnomAD exomes below 0.00001; TOPMed below 0.00001; gnomAD 0.00001.
gnomAD v4.1: 7 of 1,612,140 alleles (0.00043%); highest among the groups gnomAD compares: East Asian, 0.0045%; no homozygotes.

Submissions (2):

Ambry Genetics
Classification: Uncertain significance for Inborn genetic diseases. Last evaluated: 2024-03-19. Review status: criteria provided, single submitter. Criteria: Ambry Variant Classification Scheme 2023. Collection method: clinical testing. Allele origin: germline.

Labcorp Genetics (formerly Invitae), Labcorp
Classification: Uncertain significance for Joubert syndrome 23; Short-rib thoracic dysplasia 14 with polydactyly. Last evaluated: 2021-10-29. Review status: criteria provided, single submitter. Criteria: Invitae Variant Classification Sherloc (09022015). Collection method: clinical testing. Allele origin: germline.
Comment: This sequence change replaces threonine, which is neutral and polar, with isoleucine, which is neutral and non-polar, at codon 1110 of the KIAA0586 protein (p.Thr1110Ile). This variant is present in population databases (rs772489368, gnomAD 0.004%). This variant has not been reported in the literature in individuals affected with KIAA0586-related conditions. Algorithms developed to predict the effect of missense changes on protein structure and function are either unavailable or do not agree on the potential impact of this missense change (SIFT: "Deleterious"; PolyPhen-2: "Probably Damaging"; Align-GVGD: "Class C0"). In summary, the available evidence is currently insufficient to determine the role of this variant in disease. Therefore, it has been classified as a Variant of Uncertain Significance.

NM_001329943.3(KIAA0586):c.3170C>T (p.Thr1057Ile)

Gene: KIAA0586 (KIAA0586; plus strand). Cytogenetic location: 14q23.1.
Variant type: single nucleotide variant.
Coding change: c.3170C>T on transcript NM_001329943.3 (MANE Select); coding-DNA position 3170, C replaced by T.
Protein change: p.Thr1057Ile; replaces threonine 1057 with isoleucine.
Molecular consequence: missense variant.
Genome position (GRCh38, 1-based): chr14:58,487,032, C>T. VCF-style: chr14-58487032-C-T. GRCh37 (hg19) VCF-style: chr14-58953750-C-T.
Other names: c.3329C>T, p.Thr1110Ile (NM_001244189.2); c.3125C>T, p.Thr1042Ile (NM_001244190.2); c.2915C>T, p.Thr972Ile (NM_001244191.2, NM_001329945.2, NM_001364700.1 and 1 more transcripts); c.3038C>T, p.Thr1013Ile (NM_001244192.2); c.2750C>T, p.Thr917Ile (NM_001244193.2); c.3170C>T, p.Thr1057Ile (NM_001329944.2, NM_001329946.2, NM_001329947.2); c.2942C>T, p.Thr981Ile (NM_014749.5); c.2942C>T (NM_014749.3); short protein forms T1110I, T1042I, T981I, T1057I, T917I, T1013I, T972I.
Identifiers: ClinVar variation 1449678 (VCV001449678.4), dbSNP rs772489368, ClinGen allele CA7206086.